The following is an entry in ClinVar:

ClinVar aggregate classification (germline): Likely benign (1 of 4 stars; one submission).

Allele frequency attached by ClinVar (database versions not stated): TOPMed below 0.00001; gnomAD 0.00001; gnomAD exomes 0.00002; ExAC 0.00008.
gnomAD v4.1: 25 of 1,535,492 alleles (0.0016%); highest among the groups gnomAD compares: Middle Eastern, 0.034%; no homozygotes.

Submission:

CeGaT Center for Human Genetics Tuebingen
Classification: Likely benign. Last evaluated: 2023-02-01. Review status: criteria provided, single submitter. Criteria: CeGaT Center For Human Genetics Tuebingen Variant Classification Criteria Version 2. Collection method: clinical testing. Allele origin: germline. Affected: yes. Observed: 1 variant allele.
Comment: FHOD3: BP4, BP7

NM_001281740.3(FHOD3):c.1383A>G (p.Gly461=)

Gene: FHOD3 (formin homology 2 domain containing 3; plus strand). Cytogenetic location: 18q12.2.
Variant type: single nucleotide variant.
Coding change: c.1383A>G on transcript NM_001281740.3 (MANE Select); coding-DNA position 1383, A replaced by G.
Protein change: p.Gly461=; no amino-acid change (glycine 461 retained).
Molecular consequence: synonymous variant. On other transcripts: intron variant (2).
Genome position (GRCh38, 1-based): chr18:36,652,666, A>G. VCF-style: chr18-36652666-A-G. GRCh37 (hg19) VCF-style: chr18-34232629-A-G.
Other names: c.1197-5409A>G (NM_025135.5, NM_001281739.3).
Identifiers: ClinVar variation 2648678 (VCV002648678.24), dbSNP rs751057441, ClinGen allele CA8941599.
Genomic context (GRCh38, chr18:36,652,666, plus strand): 5'-AAGGGATGCTGCTCCCAAGAGCTCTGCCCTCCCTGCTGTCTCGAATGCCAGCTCGCAGGG[A>G]AAGCCGCTTCTGGTTGGCACTGCAGGCGGGACCACCTGGCACAGTGGGTCCTCTGGGTCT-3'
Protein context (NP_001268669.1, residues 451-471): LPAVSNASSQ[Gly461=]KPLLVGTAGG